The following is an entry in ClinVar:

ClinVar aggregate classification (germline): Uncertain significance. Review status: criteria provided, multiple submitters, no conflicts (2 of 4 stars). 3 submissions from 3 submitters: Uncertain significance (3). Last evaluated 2025-08-13.

Conditions:
Cerebral palsy, spastic quadriplegic, 2 (CPSQ2). Identifiers: Orphanet 210141, MedGen C2752061, MONDO:0013033, OMIM 612900.

Allele frequency attached by ClinVar (database versions not stated): gnomAD exomes below 0.00001; TOPMed below 0.00001; ExAC 0.00001; gnomAD 0.00001.
gnomAD v4.1: 9 of 1,593,056 alleles (0.00056%); highest among the groups gnomAD compares: Admixed American, 0.0018%; no homozygotes.

Submissions (3):

Ambry Genetics
Classification: Uncertain significance. Last evaluated: 2025-08-13. Review status: criteria provided, single submitter. Criteria: Ambry Variant Classification Scheme 2023. Collection method: clinical testing. Allele origin: germline.

Labcorp Genetics (formerly Invitae), Labcorp
Classification: Uncertain significance. Last evaluated: 2024-10-26. Review status: criteria provided, single submitter. Criteria: Invitae Variant Classification Sherloc (09022015). Collection method: clinical testing. Allele origin: germline.
Comment: This sequence change replaces leucine, which is neutral and non-polar, with methionine, which is neutral and non-polar, at codon 895 of the KANK1 protein (p.Leu895Met). The frequency data for this variant in the population databases is considered unreliable, as metrics indicate poor data quality at this position in the gnomAD database. This variant has not been reported in the literature in individuals affected with KANK1-related conditions. ClinVar contains an entry for this variant (Variation ID: 1033738). Invitae Evidence Modeling of protein sequence and biophysical properties (such as structural, functional, and spatial information, amino acid conservation, physicochemical variation, residue mobility, and thermodynamic stability) indicates that this missense variant is not expected to disrupt KANK1 protein function with a negative predictive value of 80%. In summary, the available evidence is currently insufficient to determine the role of this variant in disease. Therefore, it has been classified as a Variant of Uncertain Significance.

Baylor Genetics
Classification: Uncertain significance for Cerebral palsy, spastic quadriplegic, 2. Last evaluated: 2018-08-14. Review status: criteria provided, single submitter. Criteria: ACMG Guidelines, 2015. Collection method: clinical testing. Allele origin: unknown. Affected: yes.
Comment: This variant was determined to be of uncertain significance according to ACMG Guidelines, 2015 [PMID:25741868].

NM_015158.5(KANK1):c.2683C>A (p.Leu895Met)

Gene: KANK1 (KN motif and ankyrin repeat domains 1; plus strand). Cytogenetic location: 9p24.3.
Variant type: single nucleotide variant.
Coding change: c.2683C>A on transcript NM_015158.5 (MANE Select); coding-DNA position 2683, C replaced by A.
Protein change: p.Leu895Met; replaces leucine 895 with methionine.
Molecular consequence: missense variant. On other transcripts: non-coding transcript variant (1).
Genome position (GRCh38, 1-based): chr9:713,449, C>A. VCF-style: chr9-713449-C-A. GRCh37 (hg19) VCF-style: chr9-713449-C-A.
Other names: c.2683C>A (NM_015158.2); c.2683C>A, p.Leu895Met (NM_001256876.3, NM_001256877.3, NM_001354331.2 and 2 more transcripts); c.2209C>A, p.Leu737Met (NM_001354333.2, NM_001354335.2, NM_001354336.2 and 9 more transcripts); short protein forms L737M, L895M.
Identifiers: ClinVar variation 1033738 (VCV001033738.6), dbSNP rs770304192, ClinGen allele CA4960571.
Genomic context (GRCh38, chr9:713,449, plus strand): 5'-TCTGTCATGAAATCTGCAAGCACTGAAGAGCTGAGGAACCCTGACTTCCAGAAAACCAGT[C>A]TGGGTAAAATCACAGGTAGGTGGTACCCTGAGGACCTGGGAATGAGGAAGGATGGGGGAA-3'
Protein context (NP_055973.2, residues 885-905): LRNPDFQKTS[Leu895Met]GKITGNYLGY